The following is an entry in ClinVar:

ClinVar aggregate classification (germline): Likely pathogenic. Review status: criteria provided, single submitter (1 of 4 stars). 2 submissions from 2 submitters: Likely pathogenic (1). 1 of the submissions does not count toward it. Last evaluated 2024-10-29.

Conditions:
Ehlers-Danlos syndrome, type 4 (EDSVASC). Also called: Ehlers-Danlos syndrome vascular type; Ehlers Danlos syndrome, ecchymotic type; Ehlers Danlos syndrome, arterial type; Ehlers Danlos syndrome, Sack-Barabas type; Ehlers-Danlos Syndrome Type IV. Identifiers: Orphanet 286, MedGen C0268338, MONDO:0017314, OMIM 130050.

Submissions (2):

GeneDx
Classification: Likely pathogenic. Last evaluated: 2024-10-29. Review status: criteria provided, single submitter. Criteria: GeneDx Variant Classification Process June 2021. Collection method: clinical testing. Allele origin: germline. Affected: yes.
Comment: Reported in an individual sent for COL3A1 genetic testing testing, however clinical features were not provided (PMID: 24922459); Not observed at significant frequency in large population cohorts (gnomAD); Occurs in the triple helical domain and replaces the glycine in the canonical Gly-X-Y repeat; missense substitution of a canonical glycine residue is expected to disrupt normal protein folding and function, and this is an established mechanism of disease (HGMD); In silico analysis supports that this missense variant has a deleterious effect on protein structure/function; This variant is associated with the following publications: (PMID: 24922459)

Collagen Diagnostic Laboratory, University of Washington
Classification: Pathogenic for Ehlers-Danlos syndrome, type 4. Review status: no assertion criteria provided. Collection method: clinical testing. Allele origin: germline. Affected: yes. Not counted in ClinVar's aggregate classification.

NM_000090.4(COL3A1):c.3356G>A (p.Gly1119Asp)

Gene: COL3A1 (collagen type III alpha 1 chain; plus strand). Cytogenetic location: 2q32.2.
Variant type: single nucleotide variant.
Coding change: c.3356G>A on transcript NM_000090.4 (MANE Select); coding-DNA position 3356, G replaced by A.
Protein change: p.Gly1119Asp; replaces glycine 1119 with aspartic acid.
Molecular consequence: missense variant.
Genome position (GRCh38, 1-based): chr2:189,007,600, G>A. VCF-style: chr2-189007600-G-A. GRCh37 (hg19) VCF-style: chr2-189872326-G-A.
Identifiers: ClinVar variation 101371 (VCV000101371.4), dbSNP rs587779639, ClinGen allele CA006338.
Genomic context (GRCh38, chr2:189,007,600, plus strand): 5'-AACGTGGAGCTGCTGGCATCAAAGGACATCGAGGATTCCCTGGTAATCCAGGTGCCCCAG[G>A]TTCTCCAGTAAGTGCATTCATTTTGTTGGAAAATCCCTTCAATGTATACAAATTTTAGAG-3'
Protein context (NP_000081.2, residues 1109-1129): RGFPGNPGAP[Gly1119Asp]SPGPAGQQGA